The following is an entry in ClinVar:

ClinVar aggregate classification (germline): Pathogenic/Likely pathogenic. Review status: criteria provided, multiple submitters, no conflicts (2 of 4 stars). 2 submissions from 2 submitters: Pathogenic (1); Likely pathogenic (1). Last evaluated 2025-08-25.

Conditions:
Infantile nephronophthisis (NPHP2). Also called: Nephronophthisis 2; Nephronophthisis 2, infantile. Identifiers: Orphanet 655, Orphanet 93591, MedGen C1865872, MONDO:0011190, OMIM 602088.

Submissions (2):

3billion
Classification: Pathogenic for Infantile nephronophthisis. Last evaluated: 2025-08-25. Review status: criteria provided, single submitter. Criteria: ACMG Guidelines, 2015. Collection method: clinical testing. Allele origin: germline. Affected: yes.
Comment: The variant is not observed in the gnomAD v4.1.0 dataset. Predicted Consequence/Location: Frameshift: predicted to result in a loss or disruption of normal protein function through nonsense-mediated decay (NMD) or protein truncation. Multiple pathogenic variants are reported downstream of the variant. Therefore, this variant is classified as Pathogenic according to the recommendation of ACMG/AMP guideline.

First Genomix Gene Laboratory, Genetic Diagnostics Department
Classification: Likely pathogenic for Infantile nephronophthisis. Last evaluated: 2025-03-27. Review status: criteria provided, single submitter. Criteria: ACMG Guidelines, 2015. Collection method: clinical testing. Allele origin: germline. Inheritance: Autosomal recessive inheritance. Affected: no. Observed: 1 variant allele.

NM_014425.5(INVS):c.2870_2871dup (p.Thr958fs)

Gene: INVS (inversin; plus strand). Cytogenetic location: 9q31.1.
Variant type: Duplication.
Coding change: c.2870_2871dup on transcript NM_014425.5 (MANE Select); coding-DNA positions 2870 to 2871, 2 bases duplicated (CT; older notation c.2870_2871dupCT).
Protein change: p.Thr958fs; shifts the reading frame from threonine 958.
Molecular consequence: frameshift variant. On other transcripts: non-coding transcript variant (1).
Genome position (GRCh38, 1-based): chr9:100,297,000-100,297,001, CT duplicated; duplicating any 2 consecutive bases within chr9:100,296,999-100,297,001 gives the same sequence; the c. name uses the placement nearest the transcript's 3' end. VCF-style (leftmost placement, unchanged base first): chr9-100296998-G-GTC. GRCh37 (hg19) VCF-style: chr9-103059280-G-GTC.
Other names: c.2582_2583dup, p.Thr862fs (NM_001318381.2); c.1892_1893dup, p.Thr632fs (NM_001318382.2); c.2870_2871dupCT (NM_014425.5); short protein forms T632fs, T862fs, T958fs.
Identifiers: ClinVar variation 4845852 (VCV004845852.2).